The following is an entry in ClinVar:

NM_000843.4(GRM6):c.76_93del (p.Leu26_Gly31del)

Gene: GRM6 (glutamate metabotropic receptor 6; minus strand). Cytogenetic location: 5q35.3.
Variant type: Deletion.
Coding change: c.76_93del on transcript NM_000843.4 (MANE Select); coding-DNA positions 76 to 93, 18 bases deleted (CTGGCGCGCGCGGCGGGC).
Protein change: p.Leu26_Gly31del.
Molecular consequence: inframe deletion.
Genome position (GRCh38, 1-based): chr5:178,994,852-178,994,869, GCCCGCCGCGCGCGCCAG deleted on the plus strand (CTGGCGCGCGCGGCGGGC on the coding strand, the reverse complement: GRM6 is on the minus strand); deleting any 18 consecutive bases within chr5:178,994,852-178,994,876 gives the same sequence; the c. name uses the placement nearest the transcript's 3' end. VCF-style (leftmost placement, unchanged base first): chr5-178994851-AGCCCGCCGCGCGCGCCAG-A. GRCh37 (hg19) VCF-style: chr5-178421852-AGCCCGCCGCGCGCGCCAG-A.
Identifiers: ClinVar variation 2049899 (VCV002049899.4), dbSNP rs1308648283, ClinGen allele CA808240604.

ClinVar aggregate classification (germline): Uncertain significance (1 of 4 stars; one submission).

Submission:

Labcorp Genetics (formerly Invitae), Labcorp
Classification: Uncertain significance. Last evaluated: 2024-01-15. Review status: criteria provided, single submitter. Criteria: Invitae Variant Classification Sherloc (09022015). Collection method: clinical testing. Allele origin: germline.
Comment: This variant, c.76_93del, results in the deletion of 6 amino acid(s) of the GRM6 protein (p.Leu26_Gly31del), but otherwise preserves the integrity of the reading frame. This variant is not present in population databases (gnomAD no frequency). This variant has not been reported in the literature in individuals affected with GRM6-related conditions. ClinVar contains an entry for this variant (Variation ID: 2049899). Experimental studies and prediction algorithms are not available or were not evaluated, and the functional significance of this variant is currently unknown. In summary, the available evidence is currently insufficient to determine the role of this variant in disease. Therefore, it has been classified as a Variant of Uncertain Significance.